The following is an entry in ClinVar:

ClinVar aggregate classification (germline): Uncertain significance (1 of 4 stars; one submission).

Conditions:
Duane-radial ray syndrome (DRRS). Also called: Duane-Radial Ray Syndrome/Okihiro Syndrome; Duane-Radial Ray Syndrome (DRRS) / Okihiro Syndrome; ACRORENOOCULAR SYNDROME; DR SYNDROME; DUANE ANOMALY WITH RADIAL RAY ABNORMALITIES AND DEAFNESS; Okihiro Syndrome. Identifiers: Orphanet 93293, Orphanet 959, MedGen C1623209, MONDO:0011812, OMIM 607323. Disease mechanism: gain of function.

gnomAD v4.1: 1 of 1,614,118 alleles (0.000062%); highest among the groups gnomAD compares: Non-Finnish European, 0.000085%; no homozygotes.

Submission:

Labcorp Genetics (formerly Invitae), Labcorp
Classification: Uncertain significance for Duane-radial ray syndrome. Last evaluated: 2021-07-25. Review status: criteria provided, single submitter. Criteria: Invitae Variant Classification Sherloc (09022015). Collection method: clinical testing. Allele origin: germline.
Comment: This variant has not been reported in the literature in individuals affected with SALL4-related conditions. In summary, the available evidence is currently insufficient to determine the role of this variant in disease. Therefore, it has been classified as a Variant of Uncertain Significance. Algorithms developed to predict the effect of missense changes on protein structure and function are either unavailable or do not agree on the potential impact of this missense change (SIFT: "Tolerated"; PolyPhen-2: "Probably Damaging"; Align-GVGD: "Class C0"). This variant is not present in population databases (ExAC no frequency). This sequence change replaces arginine with proline at codon 601 of the SALL4 protein (p.Arg601Pro). The arginine residue is highly conserved and there is a moderate physicochemical difference between arginine and proline.

NM_020436.5(SALL4):c.1802G>C (p.Arg601Pro)

Gene: SALL4 (spalt like transcription factor 4; minus strand). Cytogenetic location: 20q13.2.
Variant type: single nucleotide variant.
Coding change: c.1802G>C on transcript NM_020436.5 (MANE Select); coding-DNA position 1802, G replaced by C.
Protein change: p.Arg601Pro; replaces arginine 601 with proline.
Molecular consequence: missense variant. On other transcripts: intron variant (1).
Genome position (GRCh38, 1-based): chr20:51,790,681, C>G on the plus strand (G>C on the coding strand, the complement: SALL4 is on the minus strand). VCF-style: chr20-51790681-C-G. GRCh37 (hg19) VCF-style: chr20-50407220-C-G.
Other names: c.1150+652G>C (NM_001318031.2); short protein forms R601P.
Identifiers: ClinVar variation 1507502 (VCV001507502.8), dbSNP rs1415936268, ClinGen allele CA409008975.